The following is an entry in ClinVar:

NM_001377.3(DYNC2H1):c.10633C>T (p.Gln3545Ter)

Gene: DYNC2H1 (dynein cytoplasmic 2 heavy chain 1; plus strand). Cytogenetic location: 11q22.3.
Variant type: single nucleotide variant.
Coding change: c.10633C>T on transcript NM_001377.3 (MANE Select); coding-DNA position 10633, C replaced by T.
Protein change: p.Gln3545Ter; replaces glutamine 3545 with a stop codon.
Molecular consequence: nonsense.
Genome position (GRCh38, 1-based): chr11:103,259,915, C>T. VCF-style: chr11-103259915-C-T. GRCh37 (hg19) VCF-style: chr11-103130644-C-T.
Other names: c.10654C>T, p.Gln3552Ter (NM_001080463.2); short protein forms Q3545*, Q3552*.
Identifiers: ClinVar variation 5015825 (VCV005015825.1).

ClinVar aggregate classification (germline): Pathogenic (1 of 4 stars; one submission).

Conditions:
Asphyxiating thoracic dystrophy 3. Also called: SHORT-RIB THORACIC DYSPLASIA 3 WITH OR WITHOUT POLYDACTYLY; POLYDACTYLY WITH NEONATAL CHONDRODYSTROPHY, TYPE I; SHORT-RIB THORACIC DYSPLASIA 3/6 WITH POLYDACTYLY, DIGENIC; Short rib polydactyly syndrome 2B; Saldino-Noonan Syndrome. Identifiers: Orphanet 474, Orphanet 93269, Orphanet 93270, Orphanet 93271, MedGen C0036069, MONDO:0013127, OMIM 613091.

Submission:

Myriad Genetics, Inc.
Classification: Pathogenic for Asphyxiating thoracic dystrophy 3. Last evaluated: 2026-04-23. Review status: criteria provided, single submitter. Criteria: Myriad Autosomal Dominant, Autosomal Recessive and X-Linked Classification Criteria (2023). Collection method: clinical testing. Allele origin: unknown.
Comment: NM_001377.2(DYNC2H1):c.10633C>T(Q3545*) is expected to be pathogenic in the context of DYNC2H1-related disorders. This variant is predicted to lead to an abnormal or absent protein product due to the creation of a premature termination codon in DYNC2H1, a gene where loss-of-function variants are known to be pathogenic. Please note: this variant was assessed in the context of healthy population screening.